The following is an entry in ClinVar:

NM_001098537.3(PNPLA7):c.3540C>T (p.Cys1180=)

Gene: PNPLA7 (patatin like domain 7, lysophospholipase; minus strand). Cytogenetic location: 9q34.3.
Variant type: single nucleotide variant.
Coding change: c.3540C>T on transcript NM_001098537.3 (MANE Select); coding-DNA position 3540, C replaced by T.
Protein change: p.Cys1180=; no amino-acid change (cysteine 1180 retained).
Molecular consequence: synonymous variant.
Genome position (GRCh38, 1-based): chr9:137,462,284, G>A on the plus strand (C>T on the coding strand, the complement: PNPLA7 is on the minus strand). VCF-style: chr9-137462284-G-A. GRCh37 (hg19) VCF-style: chr9-140356736-G-A.
Other names: c.3465C>T, p.Cys1155= (NM_152286.5).
Identifiers: ClinVar variation 2659823 (VCV002659823.24), dbSNP rs200346070, ClinGen allele CA5370894.

ClinVar aggregate classification (germline): Likely benign (1 of 4 stars; one submission).

Allele frequency attached by ClinVar (database versions not stated): ExAC 0.00007; gnomAD 0.00013; 1000 Genomes Project 30x 0.00016; gnomAD exomes 0.00017; TOPMed 0.00019; 1000 Genomes Project 0.00020.
gnomAD v4.1: 279 of 1,611,762 alleles (0.017%); highest among the groups gnomAD compares: Middle Eastern, 0.083%; no homozygotes.

Submission:

CeGaT Center for Human Genetics Tuebingen
Classification: Likely benign. Last evaluated: 2022-04-01. Review status: criteria provided, single submitter. Criteria: CeGaT Center For Human Genetics Tuebingen Variant Classification Criteria Version 2. Collection method: clinical testing. Allele origin: germline. Affected: yes. Observed: 1 variant allele.
Comment: PNPLA7: BP4, BP7